The following is an entry in ClinVar:

ClinVar aggregate classification (germline): Uncertain significance (1 of 4 stars; one submission).

Conditions:
TTN-related disorder. Also called: TTN-related disorders; TTN-related condition; TTN-related disease.

Submission:

PreventionGenetics, part of Exact Sciences
Classification: Uncertain significance for TTN-related condition. Last evaluated: 2025-09-18. Review status: criteria provided, single submitter. Criteria: ACMG Guidelines, 2015. Collection method: clinical testing. Allele origin: germline.
Comment: The TTN c.16937T>C variant is predicted to result in the amino acid substitution p.Ile5646Thr. To our knowledge, this variant has not been reported in the literature or in a large population database (gnomAD), indicating this variant is rare. At this time, the clinical significance of this variant is uncertain due to the absence of conclusive functional and genetic evidence.

NM_001267550.2(TTN):c.16937T>C (p.Ile5646Thr)

Genes: TTN (titin; minus strand), LOC126806431 (CDK7 strongly-dependent group 2 enhancer GRCh37_chr2:179595719-179596918; plus strand). Cytogenetic location: 2q31.2.
Variant type: single nucleotide variant.
Coding change: c.16937T>C on transcript NM_001267550.2 (MANE Select); coding-DNA position 16937, T replaced by C.
Protein change: p.Ile5646Thr; replaces isoleucine 5646 with threonine.
Molecular consequence: missense variant. On other transcripts: intron variant (3).
Genome position (GRCh38, 1-based): chr2:178,731,938, A>G on the plus strand (T>C on the coding strand, the complement: TTN is on the minus strand). VCF-style: chr2-178731938-A-G. GRCh37 (hg19) VCF-style: chr2-179596665-A-G.
Other names: c.15986T>C, p.Ile5329Thr (NM_001256850.1); c.13205T>C, p.Ile4402Thr (NM_133378.4); c.13282+6144T>C (NM_003319.4); c.13858+6144T>C (NM_133437.4); c.13657+6144T>C (NM_133432.3); short protein forms I4402T, I5329T, I5646T.
Identifiers: ClinVar variation 4990425 (VCV004990425.1).